The following is an entry in ClinVar:

ClinVar aggregate classification (germline): Benign/Likely benign. Review status: criteria provided, multiple submitters, no conflicts (2 of 4 stars). 10 submissions from 10 submitters: Benign (3); Likely benign (3). 4 of the submissions do not count toward it. Last evaluated 2026-02-02.

Conditions:
Dyskeratosis congenita. Identifiers: Orphanet 1775, MedGen C0265965, MONDO:0015780.
Dyskeratosis congenita, autosomal recessive 5 (DKCB5). Identifiers: MedGen C3554656, MONDO:0014076, OMIM 615190.
Pulmonary fibrosis and/or bone marrow failure, Telomere-related, 3. Also called: PULMONARY FIBROSIS AND/OR BONE MARROW FAILURE SYNDROME, TELOMERE-RELATED, 3. Identifiers: Orphanet 2032, MedGen C4225346, MONDO:0014613, OMIM 616373.

Allele frequency attached by ClinVar (database versions not stated): 1000 Genomes Project 0.00160; 1000 Genomes Project 30x 0.00172; gnomAD 0.00252; TOPMed 0.00263; gnomAD exomes 0.00271; ESP Exome Variant Server 0.00279; ExAC 0.00436.
gnomAD v4.1: 6,248 of 1,590,056 alleles (0.39%); highest among the groups gnomAD compares: Non-Finnish European, 0.49%; 19 homozygotes.

Submissions (10):

Labcorp Genetics (formerly Invitae), Labcorp
Classification: Benign for Dyskeratosis congenita, autosomal recessive 5; Pulmonary fibrosis and/or bone marrow failure, Telomere-related, 3. Last evaluated: 2026-02-02. Review status: criteria provided, single submitter. Criteria: Invitae Variant Classification Sherloc (09022015). Collection method: clinical testing. Allele origin: germline.

CeGaT Center for Human Genetics Tuebingen
Classification: Likely benign. Last evaluated: 2025-07-01. Review status: criteria provided, single submitter. Criteria: CeGaT Center For Human Genetics Tuebingen Variant Classification Criteria Version 2. Collection method: clinical testing. Allele origin: germline. Affected: yes. Observed: 7 variant alleles.
Comment: RTEL1: BP4, BS2

Blueprint Genetics
Classification: Likely benign. Last evaluated: 2024-11-28. Review status: criteria provided, single submitter. Criteria: ACMG Guidelines, 2015. Collection method: clinical testing. Allele origin: germline.

Sema4
Classification: Benign for Dyskeratosis congenita. Last evaluated: 2020-12-21. Review status: criteria provided, single submitter. Criteria: Sema4 Curation Guidelines. Collection method: curation. Allele origin: germline.

Institute for Genomic Medicine (IGM) Clinical Laboratory, Nationwide Children's Hospital
Classification: Benign. Last evaluated: 2017-08-22. Review status: criteria provided, single submitter. Criteria: ACMG Guidelines, 2015. Collection method: clinical testing. Allele origin: germline.
Comment: BS1, BS2; This alteration has an allele frequency that is greater than expected for the associated disease, and was seen in a healthy adult where full penetrance of the disorder is expected at an early age.

Genetic Services Laboratory, University of Chicago
Classification: Likely benign. Last evaluated: 2017-01-13. Review status: criteria provided, single submitter. Criteria: ACMG Guidelines, 2015. Collection method: clinical testing. Allele origin: germline. Affected: no.

Natera, Inc.
Classification: Likely benign for Dyskeratosis congenita. Last evaluated: 2019-12-16. Review status: no assertion criteria provided. Collection method: clinical testing. Allele origin: germline. Not counted in ClinVar's aggregate classification.

Clinical Genetics DNA and cytogenetics Diagnostics Lab, Erasmus MC, Erasmus Medical Center
Classification: Likely benign. Review status: no assertion criteria provided. Collection method: clinical testing. Allele origin: germline. Affected: yes. Study: VKGL Data-share Consensus. Not counted in ClinVar's aggregate classification.

Joint Genome Diagnostic Labs from Nijmegen and Maastricht, Radboudumc and MUMC+
Classification: Likely benign. Review status: no assertion criteria provided. Collection method: clinical testing. Allele origin: germline. Affected: yes. Study: VKGL Data-share Consensus. Not counted in ClinVar's aggregate classification.

Laboratory of Diagnostic Genome Analysis, Leiden University Medical Center (LUMC)
Classification: Likely benign. Review status: no assertion criteria provided. Collection method: clinical testing. Allele origin: germline. Affected: yes. Study: VKGL Data-share Consensus. Not counted in ClinVar's aggregate classification.

NM_001283009.2(RTEL1):c.3823-5C>G

Genes: RTEL1-TNFRSF6B (RTEL1-TNFRSF6B readthrough (NMD candidate); plus strand), RTEL1 (regulator of telomere elongation helicase 1; plus strand). Cytogenetic location: 20q13.33.
Variant type: single nucleotide variant.
Coding change: c.3823-5C>G on transcript NM_001283009.2 (MANE Select); 5 bases into the intron before coding-DNA position 3823, C replaced by G.
Molecular consequence: intron variant.
Genome position (GRCh38, 1-based): chr20:63,695,773, C>G. VCF-style: chr20-63695773-C-G. GRCh37 (hg19) VCF-style: chr20-62327126-C-G.
Other names: c.2984-5C>G (NM_001283010.1); c.3725-5C>G (NM_032957.5); c.3653-5C>G (NM_016434.4).
Identifiers: ClinVar variation 436581 (VCV000436581.50), dbSNP rs141522376, ClinGen allele CA9966221.
Genomic context (GRCh38, chr20:63,695,773, plus strand): 5'-AGGGCAGGCCCTTGTCCTGGTGGCAACGCCTGGCAGACGTGTGCAGTGGGCCGGTTGTCT[C>G]ACAGGCCTCTAGGATGTGCCCAGCCTGCCACACCGCCTCCAGGAAGCAGAGCGTCATGCA-3'